The following is an entry in ClinVar:

ClinVar aggregate classification (germline): Benign. Review status: criteria provided, single submitter (1 of 4 stars). 2 submissions from 2 submitters: Benign (1). 1 of the submissions does not count toward it. Last evaluated 2025-05-16.

Conditions:
CELSR2-related disorder. Also called: CELSR2-related condition.

Allele frequency attached by ClinVar (database versions not stated): TOPMed 0.00039; ESP Exome Variant Server 0.00046; 1000 Genomes Project 30x 0.00141; 1000 Genomes Project 0.00180; gnomAD 0.00309; ExAC 0.00360; gnomAD exomes 0.00413.
gnomAD v4.1: 3,691 of 1,613,292 alleles (0.23%); highest among the groups gnomAD compares: East Asian, 1.6%; 54 homozygotes.

Submissions (2):

Labcorp Genetics (formerly Invitae), Labcorp
Classification: Benign. Last evaluated: 2025-05-16. Review status: criteria provided, single submitter. Criteria: Invitae Variant Classification Sherloc (09022015). Collection method: clinical testing. Allele origin: germline.

PreventionGenetics, part of Exact Sciences
Classification: Benign for CELSR2-related condition. Last evaluated: 2019-04-09. Review status: no assertion criteria provided. Collection method: clinical testing. Allele origin: germline. Not counted in ClinVar's aggregate classification.
Comment: This variant is classified as benign based on ACMG/AMP sequence variant interpretation guidelines (Richards et al. 2015 PMID: 25741868, with internal and published modifications).

NM_001408.3(CELSR2):c.2190G>A (p.Thr730=)

Gene: CELSR2 (cadherin EGF LAG seven-pass G-type receptor 2; plus strand). Cytogenetic location: 1p13.3.
Variant type: single nucleotide variant.
Coding change: c.2190G>A on transcript NM_001408.3 (MANE Select); coding-DNA position 2190, G replaced by A.
Protein change: p.Thr730=; no amino-acid change (threonine 730 retained).
Molecular consequence: synonymous variant.
Genome position (GRCh38, 1-based): chr1:109,252,269, G>A. VCF-style: chr1-109252269-G-A. GRCh37 (hg19) VCF-style: chr1-109794891-G-A.
Other names: c.2190G>A (NM_001408.2).
Identifiers: ClinVar variation 1572221 (VCV001572221.10), dbSNP rs147160924, ClinGen allele CA986702.